The following is an entry in ClinVar:

ClinVar aggregate classification (germline): Uncertain significance. Review status: criteria provided, multiple submitters, no conflicts (2 of 4 stars). 2 submissions from 2 submitters: Uncertain significance (2). Last evaluated 2025-11-20.

Conditions:
Immunodeficiency, common variable, 7. Identifiers: Orphanet 1572, Orphanet 696894, MedGen C3542922, MONDO:0013862, OMIM 614699.
Inborn genetic diseases. Identifiers: MedGen C0950123, MeSH D030342.

Allele frequency attached by ClinVar (database versions not stated): TOPMed 0.00004.
gnomAD v4.1: 15 of 1,612,750 alleles (0.00093%); highest among the groups gnomAD compares: African/African-American, 0.012%; no homozygotes.

Submissions (2):

Ambry Genetics
Classification: Uncertain significance for Inborn genetic diseases. Last evaluated: 2025-11-20. Review status: criteria provided, single submitter. Criteria: Ambry Variant Classification Scheme 2023. Collection method: clinical testing. Allele origin: germline.

Labcorp Genetics (formerly Invitae), Labcorp
Classification: Uncertain significance for Immunodeficiency, common variable, 7. Last evaluated: 2019-10-16. Review status: criteria provided, single submitter. Criteria: Invitae Variant Classification Sherloc (09022015). Collection method: clinical testing. Allele origin: germline.
Comment: Algorithms developed to predict the effect of sequence changes on RNA splicing suggest that this variant may create or strengthen a splice site, but this prediction has not been confirmed by published transcriptional studies. Algorithms developed to predict the effect of missense changes on protein structure and function output the following: SIFT: "Tolerated"; PolyPhen-2: "Benign"; Align-GVGD: "Class C0". The arginine amino acid residue is found in multiple mammalian species, suggesting that this missense change does not adversely affect protein function. These predictions have not been confirmed by published functional studies and their clinical significance is uncertain. This variant has not been reported in the literature in individuals with CR2-related conditions. This variant is present in population databases (rs141755970, ExAC 0.02%). This sequence change replaces lysine with arginine at codon 768 of the CR2 protein (p.Lys768Arg). The lysine residue is weakly conserved and there is a small physicochemical difference between lysine and arginine. In summary, the available evidence is currently insufficient to determine the role of this variant in disease. Therefore, it has been classified as a Variant of Uncertain Significance.

NM_001006658.3(CR2):c.2303A>G (p.Lys768Arg)

Gene: CR2 (complement C3d receptor 2; plus strand). Cytogenetic location: 1q32.2.
Variant type: single nucleotide variant.
Coding change: c.2303A>G on transcript NM_001006658.3 (MANE Select); coding-DNA position 2303, A replaced by G.
Protein change: p.Lys768Arg; replaces lysine 768 with arginine.
Molecular consequence: missense variant.
Genome position (GRCh38, 1-based): chr1:207,474,303, A>G. VCF-style: chr1-207474303-A-G. GRCh37 (hg19) VCF-style: chr1-207647648-A-G.
Other names: c.2126A>G, p.Lys709Arg (NM_001877.5); short protein forms K709R, K768R.
Identifiers: ClinVar variation 972177 (VCV000972177.10), dbSNP rs141755970, ClinGen allele CA1368948.